The following is an entry in ClinVar:

NM_024996.7(GFM1):c.1406G>A (p.Gly469Asp)

Gene: GFM1 (G elongation factor mitochondrial 1; plus strand). Cytogenetic location: 3q25.32.
Variant type: single nucleotide variant.
Coding change: c.1406G>A on transcript NM_024996.7 (MANE Select); coding-DNA position 1406, G replaced by A.
Protein change: p.Gly469Asp; replaces glycine 469 with aspartic acid.
Molecular consequence: missense variant. On other transcripts: non-coding transcript variant (4).
Genome position (GRCh38, 1-based): chr3:158,665,362, G>A. VCF-style: chr3-158665362-G-A. GRCh37 (hg19) VCF-style: chr3-158383151-G-A.
Other names: c.1463G>A, p.Gly488Asp (NM_001308164.2); c.1406G>A, p.Gly469Asp (NM_001308166.2); c.1325G>A, p.Gly442Asp (NM_001374355.1); c.1289G>A, p.Gly430Asp (NM_001374356.1); c.1181G>A, p.Gly394Asp (NM_001374357.1); c.947G>A, p.Gly316Asp (NM_001374358.1); c.839G>A, p.Gly280Asp (NM_001374359.1, NM_001374360.1); c.722G>A, p.Gly241Asp (NM_001374361.1); short protein forms G469D, G488D, G280D, G316D, G394D, G430D, G442D, G241D.
Identifiers: ClinVar variation 343935 (VCV000343935.6), dbSNP rs750855220, ClinGen allele CA2682652.
Genomic context (GRCh38, chr3:158,665,362, plus strand): 5'-GTAAAACATATAGTGACTTTCTTCTTCTTTTAAAGAACGATCTGGAAAAATTTTCAAAAG[G>A]TATTGGCAGGTTTACAAGAGAAGATCCCACATTTAAAGTATACTTTGACACTGAGAACAA-3'
Protein context (NP_079272.4, residues 459-479): NKNDLEKFSK[Gly469Asp]IGRFTREDPT

ClinVar aggregate classification (germline): Uncertain significance. Review status: criteria provided, multiple submitters, no conflicts (2 of 4 stars). 2 submissions from 2 submitters: Uncertain significance (2). Last evaluated 2022-02-11.

Conditions:
Hepatoencephalopathy due to combined oxidative phosphorylation defect type 1. Also called: HEPATOENCEPHALOPATHY, EARLY FATAL PROGRESSIVE. Identifiers: Orphanet 137681, MedGen C1836797, MONDO:0012191, OMIM 609060.

Allele frequency attached by ClinVar (database versions not stated): gnomAD exomes below 0.00001; TOPMed below 0.00001; ExAC 0.00001.

Submissions (2):

Labcorp Genetics (formerly Invitae), Labcorp
Classification: Uncertain significance. Last evaluated: 2022-02-11. Review status: criteria provided, single submitter. Criteria: Invitae Variant Classification Sherloc (09022015). Collection method: clinical testing. Allele origin: germline.
Comment: This sequence change replaces glycine, which is neutral and non-polar, with aspartic acid, which is acidic and polar, at codon 469 of the GFM1 protein (p.Gly469Asp). This variant is present in population databases (rs750855220, gnomAD 0.0009%). This variant has not been reported in the literature in individuals affected with GFM1-related conditions. ClinVar contains an entry for this variant (Variation ID: 343935). Advanced modeling of protein sequence and biophysical properties (such as structural, functional, and spatial information, amino acid conservation, physicochemical variation, residue mobility, and thermodynamic stability) performed at Invitae indicates that this missense variant is expected to disrupt GFM1 protein function. In summary, the available evidence is currently insufficient to determine the role of this variant in disease. Therefore, it has been classified as a Variant of Uncertain Significance.

Illumina Laboratory Services, Illumina
Classification: Uncertain significance for Hepatoencephalopathy due to combined oxidative phosphorylation defect type 1. Last evaluated: 2018-01-13. Review status: criteria provided, single submitter. Criteria: ICSL Variant Classification Criteria 13 December 2019. Collection method: clinical testing. Allele origin: germline.